The following is an entry in ClinVar:

NM_000260.4(MYO7A):c.1996C>T (p.Arg666Ter)

Gene: MYO7A (myosin VIIA; plus strand). Cytogenetic location: 11q13.5.
Variant type: single nucleotide variant.
Coding change: c.1996C>T on transcript NM_000260.4 (MANE Select); coding-DNA position 1996, C replaced by T.
Protein change: p.Arg666Ter; replaces arginine 666 with a stop codon.
Molecular consequence: nonsense.
Genome position (GRCh38, 1-based): chr11:77,174,816, C>T. VCF-style: chr11-77174816-C-T. GRCh37 (hg19) VCF-style: chr11-76885862-C-T.
Other names: c.1996C>T, p.Arg666Ter (NM_001127180.2); c.1963C>T, p.Arg655Ter (NM_001369365.1); short protein forms R666*, R655*.
Identifiers: ClinVar variation 11860 (VCV000011860.61), dbSNP rs121965085, ClinGen allele CA277967.

ClinVar aggregate classification (germline): Pathogenic. Review status: criteria provided, multiple submitters, no conflicts (2 of 4 stars). 10 submissions from 10 submitters: Pathogenic (7). 3 of the submissions do not count toward it. Last evaluated 2025-05-04.

Conditions:
MYO7A-related disorder. Also called: MYO7A-related disorders.
Rare genetic deafness. Identifiers: Orphanet 96210, MedGen C5680250.
Usher syndrome type 1 (USH1). Also called: RETINITIS PIGMENTOSA AND CONGENITAL DEAFNESS. Identifiers: Orphanet 231169, Orphanet 886, MedGen C1568247, MONDO:0010168, OMIM 276900.
Autosomal recessive nonsyndromic hearing loss 2. Also called: NEUROSENSORY NONSYNDROMIC RECESSIVE DEAFNESS 2; DEAFNESS, AUTOSOMAL RECESSIVE 2. Identifiers: Orphanet 90636, MedGen C1838701, MONDO:0010807, OMIM 600060.
Autosomal dominant nonsyndromic hearing loss 11. Identifiers: Orphanet 90635, MedGen C1832475, MONDO:0011032, OMIM 601317.
Usher syndrome type 1B (USH1B). Also called: Usher syndrome type IB. Identifiers: MedGen C1848638, MONDO:0700087.

Allele frequency attached by ClinVar (database versions not stated): TOPMed 0.00001; ExAC 0.00002; gnomAD exomes 0.00002; gnomAD 0.00003 and 0.00004.
gnomAD v4.1: 20 of 1,612,732 alleles (0.0012%); highest among the groups gnomAD compares: African/African-American, 0.0053%; no homozygotes.

Submissions (10):

Labcorp Genetics (formerly Invitae), Labcorp
Classification: Pathogenic. Last evaluated: 2025-05-04. Review status: criteria provided, single submitter. Criteria: Invitae Variant Classification Sherloc (09022015). Collection method: clinical testing. Allele origin: germline.
Comment: This sequence change creates a premature translational stop signal (p.Arg666*) in the MYO7A gene. It is expected to result in an absent or disrupted protein product. Loss-of-function variants in MYO7A are known to be pathogenic (PMID: 8900236, 25404053). This variant is present in population databases (rs121965085, gnomAD 0.004%). This premature translational stop signal has been observed in individuals with autosomal recessive Usher syndrome (PMID: 10094549, 15660226, 21569298). ClinVar contains an entry for this variant (Variation ID: 11860). For these reasons, this variant has been classified as Pathogenic.

PreventionGenetics, part of Exact Sciences
Classification: Pathogenic for MYO7A-related condition. Last evaluated: 2024-12-19. Review status: criteria provided, single submitter. Criteria: ACMG Guidelines, 2015. Collection method: clinical testing. Allele origin: germline.
Comment: The MYO7A c.1996C>T variant is predicted to result in premature protein termination (p.Arg666*). This variant has been reported in individuals with hearing loss or Usher syndrome (for examples see: Janecke et al. 1999. PubMed ID: 10094549; Lebeko et al. 2017. PubMed ID: 28075205; Table S2, Galbis-Martínez et al. 2021. PubMed ID: 33576163). This variant is reported in 0.0036% of alleles in individuals of European (Non-Finnish) descent in gnomAD. Nonsense variants in MYO7A are expected to be pathogenic. This variant is interpreted as pathogenic.

Fulgent Genetics
Classification: Pathogenic for Usher syndrome type 1; Autosomal recessive nonsyndromic hearing loss 2; Autosomal dominant nonsyndromic hearing loss 11. Last evaluated: 2024-04-22. Review status: criteria provided, single submitter. Criteria: ACMG Guidelines, 2015. Collection method: clinical testing. Allele origin: germline.

GeneDx
Classification: Pathogenic. Last evaluated: 2023-01-26. Review status: criteria provided, single submitter. Criteria: GeneDx Variant Classification Process June 2021. Collection method: clinical testing. Allele origin: germline. Affected: yes.
Comment: Nonsense variant predicted to result in protein truncation or nonsense mediated decay in a gene for which loss of function is a known mechanism of disease; This variant is associated with the following publications: (PMID: 25525159, 31589614, 36240775, 21569298, 33576163, 32531858, 10094549, 27246798, 27957503, 35955564, 35440622, 12786748, 15660226, 15043528, 28075205)

Blueprint Genetics
Classification: Pathogenic for MYO7A-related disorders. Last evaluated: 2022-11-04. Review status: criteria provided, single submitter. Criteria: ACMG Guidelines, 2015. Collection method: clinical testing. Allele origin: germline. Affected: yes. Observed: 3 variant alleles.

CeGaT Center for Human Genetics Tuebingen
Classification: Pathogenic. Last evaluated: 2017-11-01. Review status: criteria provided, single submitter. Criteria: CeGaT Center For Human Genetics Tuebingen Variant Classification Criteria Version 2. Collection method: clinical testing. Allele origin: germline. Affected: yes. Observed: 1 variant allele.

Laboratory for Molecular Medicine, Mass General Brigham Personalized Medicine
Classification: Pathogenic for Rare genetic deafness. Last evaluated: 2014-01-15. Review status: criteria provided, single submitter. Criteria: LMM Criteria. Collection method: clinical testing. Allele origin: germline. Inheritance: Autosomal recessive inheritance. Observed: 3 variant alleles.
Comment: The p.Arg666X variant in MYO7A has been reported in 4 individuals with Usher syn drome type I, 3 of whom carried a second MYO7A variant (Janecke 1999, Pennings 2 004, Ouyang 2005, Bonnet 2011). This variant has been identified in 4/110570 Eu ropean chromosomes by the Genome Aggregation Database (gnomAD; dbSNP rs121965085), which is low enough to be consistent with a recessive carrier frequency. This nonsense variant leads to a premature termina tion codon at position 666, which is predicted to lead to a truncated or absent protein. In summary, this variant meets criteria to be classified as pathogenic for autosomal recessive Usher syndrome. ACMG/AMP criteria applied: PVS1, PM2.

Natera, Inc.
Classification: Pathogenic for Usher syndrome type 1B. Last evaluated: 2020-07-21. Review status: no assertion criteria provided. Collection method: clinical testing. Allele origin: germline. Not counted in ClinVar's aggregate classification.

Counsyl
Classification: Pathogenic for Usher syndrome type 1; Autosomal recessive nonsyndromic hearing loss 2. Last evaluated: 2017-09-01. Review status: no assertion criteria provided. Collection method: clinical testing. Allele origin: unknown. Not counted in ClinVar's aggregate classification.

OMIM
Classification: Pathogenic for USHER SYNDROME, TYPE IB. Last evaluated: 2005-03-01. Review status: no assertion criteria provided. Collection method: literature only. Allele origin: germline. Not counted in ClinVar's aggregate classification.

Literature cited by the submitters: PubMed 8900236 (cited by Labcorp Genetics (formerly Invitae), Labcorp); PubMed 25404053 (cited by Labcorp Genetics (formerly Invitae), Labcorp); PubMed 10094549 (cited by 3 submitters); PubMed 15660226 (cited by 4 submitters); PubMed 21569298 (cited by 3 submitters); PubMed 15043528 (cited by Laboratory for Molecular Medicine, Mass General Brigham Personalized Medicine).